The following is an entry in ClinVar:

ClinVar aggregate classification (germline): Uncertain significance. Review status: criteria provided, multiple submitters, no conflicts (2 of 4 stars). 2 submissions from 2 submitters: Uncertain significance (2). Last evaluated 2024-07-19.

Conditions:
Hereditary cancer-predisposing syndrome. Also called: Tumor predisposition; Neoplastic Syndromes, Hereditary; Hereditary Cancer Syndrome; Hereditary neoplastic syndrome. Identifiers: Orphanet 140162, MedGen C0027672, MeSH D009386, MONDO:0015356.
Neurofibromatosis, type 2 (SWNV). Also called: BILATERAL ACOUSTIC NEUROFIBROMATOSIS; NF2-Related Schwannomatosis; SCHWANNOMATOSIS, VESTIBULAR. Identifiers: Orphanet 637, MedGen C0027832, MONDO:0007039, OMIM 101000. Disease mechanism: loss of function.

Allele frequency attached by ClinVar (database versions not stated): gnomAD 0.00001.
gnomAD v4.1: 3 of 1,613,210 alleles (0.00019%); highest among the groups gnomAD compares: Non-Finnish European, 0.00017%; no homozygotes.

Submissions (2):

Ambry Genetics
Classification: Uncertain significance for Hereditary cancer-predisposing syndrome. Last evaluated: 2024-07-19. Review status: criteria provided, single submitter. Criteria: Ambry Variant Classification Scheme 2023. Collection method: clinical testing. Allele origin: germline.
Comment: The p.A193T variant (also known as c.577G>A), located in coding exon 6 of the NF2 gene, results from a G to A substitution at nucleotide position 577. The alanine at codon 193 is replaced by threonine, an amino acid with similar properties. This amino acid position is well conserved in available vertebrate species. In addition, the in silico prediction for this alteration is inconclusive. Based on the available evidence, the clinical significance of this variant remains unclear.

Labcorp Genetics (formerly Invitae), Labcorp
Classification: Uncertain significance for Neurofibromatosis, type 2. Last evaluated: 2024-02-17. Review status: criteria provided, single submitter. Criteria: Invitae Variant Classification Sherloc (09022015). Collection method: clinical testing. Allele origin: germline.
Comment: This sequence change replaces alanine, which is neutral and non-polar, with threonine, which is neutral and polar, at codon 193 of the NF2 protein (p.Ala193Thr). This variant is not present in population databases (gnomAD no frequency). This missense change has been observed in individual(s) with testicular germ cell tumors (PMID: 29625052, 36451132). ClinVar contains an entry for this variant (Variation ID: 1379916). Advanced modeling of protein sequence and biophysical properties (such as structural, functional, and spatial information, amino acid conservation, physicochemical variation, residue mobility, and thermodynamic stability) performed at Invitae indicates that this missense variant is not expected to disrupt NF2 protein function with a negative predictive value of 80%. In summary, the available evidence is currently insufficient to determine the role of this variant in disease. Therefore, it has been classified as a Variant of Uncertain Significance.

Literature cited by the submitters: PubMed 29625052 (cited by Labcorp Genetics (formerly Invitae), Labcorp); PubMed 36451132 (cited by Labcorp Genetics (formerly Invitae), Labcorp).

NM_000268.4(NF2):c.577G>A (p.Ala193Thr)

Gene: NF2 (NF2, moesin-ezrin-radixin like (MERLIN) tumor suppressor; plus strand). Cytogenetic location: 22q12.2.
Variant type: single nucleotide variant.
Coding change: c.577G>A on transcript NM_000268.4 (MANE Select); coding-DNA position 577, G replaced by A.
Protein change: p.Ala193Thr; replaces alanine 193 with threonine.
Molecular consequence: missense variant. On other transcripts: non-coding transcript variant (1), intron variant (1).
Genome position (GRCh38, 1-based): chr22:29,655,654, G>A. VCF-style: chr22-29655654-G-A. GRCh37 (hg19) VCF-style: chr22-30051643-G-A.
Other names: c.577G>A, p.Ala193Thr (NM_016418.5, NM_181825.3, NM_181832.3); c.451G>A, p.Ala151Thr (NM_181828.3); c.454G>A, p.Ala152Thr (NM_181829.3); c.328G>A, p.Ala110Thr (NM_181830.3, NM_181831.3); c.447+13369G>A (NM_181833.3); short protein forms A110T, A151T, A152T, A193T.
Identifiers: ClinVar variation 1379916 (VCV001379916.9), dbSNP rs1427589827, ClinGen allele CA411142655.